The following is an entry in ClinVar:

NM_014712.3(SETD1A):c.2005C>T (p.Leu669Phe)

Gene: SETD1A (SET domain containing 1A, histone lysine methyltransferase; plus strand). Cytogenetic location: 16p11.2.
Variant type: single nucleotide variant.
Coding change: c.2005C>T on transcript NM_014712.3 (MANE Select); coding-DNA position 2005, C replaced by T.
Protein change: p.Leu669Phe; replaces leucine 669 with phenylalanine.
Molecular consequence: missense variant.
Genome position (GRCh38, 1-based): chr16:30,965,886, C>T. VCF-style: chr16-30965886-C-T. GRCh37 (hg19) VCF-style: chr16-30977207-C-T.
Other names: c.2005C>T (NM_014712.1); short protein forms L669F.
Identifiers: ClinVar variation 2631973 (VCV002631973.2), dbSNP rs756299242, ClinGen allele CA8016827.
Genomic context (GRCh38, chr16:30,965,886, plus strand): 5'-CCTCCTCCACCACCCCCGCACATCTATGACTTTGTGAACTCCTTGGAGCTCATGGACCGA[C>T]TTGGGGCTCAGTGGGGAGGGATGCCCATGTCCTTCCAGATGCAGACCCAGATGTTAACTC-3'
Protein context (NP_055527.1, residues 659-679): FVNSLELMDR[Leu669Phe]GAQWGGMPMS

ClinVar aggregate classification (germline): Uncertain significance. Review status: criteria provided, multiple submitters, no conflicts (2 of 4 stars). 2 submissions from 2 submitters: Uncertain significance (2). Last evaluated 2025-06-18.

Conditions:
SETD1A-related disorder. Also called: SETD1A-related condition.
Inborn genetic diseases. Identifiers: MedGen C0950123, MeSH D030342.

Allele frequency attached by ClinVar (database versions not stated): gnomAD exomes below 0.00001; TOPMed below 0.00001; ExAC 0.00001; gnomAD 0.00001.
gnomAD v4.1: 3 of 1,612,944 alleles (0.00019%); highest among the groups gnomAD compares: Admixed American, 0.0017%; no homozygotes.

Submissions (2):

Ambry Genetics
Classification: Uncertain significance for Inborn genetic diseases. Last evaluated: 2025-06-18. Review status: criteria provided, single submitter. Criteria: Ambry Variant Classification Scheme 2023. Collection method: clinical testing. Allele origin: germline.

PreventionGenetics, part of Exact Sciences
Classification: Uncertain significance for SETD1A-related condition. Last evaluated: 2022-09-22. Review status: criteria provided, single submitter. Criteria: ACMG Guidelines, 2015. Collection method: clinical testing. Allele origin: germline.
Comment: The SETD1A c.2005C>T variant is predicted to result in the amino acid substitution p.Leu669Phe. To our knowledge, this variant has not been reported in the literature. This variant is reported in 0.0029% of alleles in individuals of Latino descent in gnomAD. At this time, the clinical significance of this variant is uncertain due to the absence of conclusive functional and genetic evidence.